The following is an entry in ClinVar:

ClinVar aggregate classification (germline): Uncertain significance (1 of 4 stars; one submission).

gnomAD v4.1: 9 of 1,613,838 alleles (0.00056%); highest among the groups gnomAD compares: Admixed American, 0.015%; no homozygotes.

Submission:

GeneDx
Classification: Uncertain significance. Last evaluated: 2024-03-15. Review status: criteria provided, single submitter. Criteria: GeneDx Variant Classification Process June 2021. Collection method: clinical testing. Allele origin: germline. Affected: yes.
Comment: In silico analysis supports that this missense variant does not alter protein structure/function; Has not been previously published as pathogenic or benign to our knowledge

NM_018245.3(OGDHL):c.129C>G (p.Ser43Arg)

Gene: OGDHL (oxoglutarate dehydrogenase L; minus strand). Cytogenetic location: 10q11.23.
Variant type: single nucleotide variant.
Coding change: c.129C>G on transcript NM_018245.3 (MANE Select); coding-DNA position 129, C replaced by G.
Protein change: p.Ser43Arg; replaces serine 43 with arginine.
Molecular consequence: missense variant. On other transcripts: 5 prime UTR variant (3), non-coding transcript variant (4), intron variant (2).
Genome position (GRCh38, 1-based): chr10:49,758,464, G>C on the plus strand (C>G on the coding strand, the complement: OGDHL is on the minus strand). VCF-style: chr10-49758464-G-C. GRCh37 (hg19) VCF-style: chr10-50966510-G-C.
Other names: c.129C>G, p.Ser43Arg (NM_001143996.2, NM_001347819.1, NM_001347820.1 and 2 more transcripts); c.-810C>G (NM_001347821.2, NM_001347825.2); c.-798C>G (NM_001347826.1); c.-253+3869C>G (NM_001347822.1); c.-253+3775C>G (NM_001143997.2); short protein forms S43R.
Identifiers: ClinVar variation 3370901 (VCV003370901.1).